The following is an entry in ClinVar:

NM_000138.5(FBN1):c.6296G>T (p.Cys2099Phe)

Gene: FBN1 (fibrillin 1; minus strand). Cytogenetic location: 15q21.1.
Variant type: single nucleotide variant.
Coding change: c.6296G>T on transcript NM_000138.5 (MANE Select); coding-DNA position 6296, G replaced by T.
Protein change: p.Cys2099Phe; replaces cysteine 2099 with phenylalanine.
Molecular consequence: missense variant.
Genome position (GRCh38, 1-based): chr15:48,437,785, C>A on the plus strand (G>T on the coding strand, the complement: FBN1 is on the minus strand). VCF-style: chr15-48437785-C-A. GRCh37 (hg19) VCF-style: chr15-48729982-C-A.
Other names: short protein forms C2099F.
Identifiers: ClinVar variation 430149 (VCV000430149.2), dbSNP rs1131691803, ClinGen allele CA392336920.

ClinVar aggregate classification (germline): Pathogenic (1 of 4 stars; one submission).

Submission:

GeneDx
Classification: Pathogenic. Last evaluated: 2017-11-01. Review status: criteria provided, single submitter. Criteria: GeneDx Variant Classification (06012015). Collection method: clinical testing. Allele origin: germline. Affected: yes.
Comment: A C2099F variant that is pathogenic was identified in the FBN1 gene. The C2099F variant was not observed in large population cohorts (Lek et al., 2016). The C2099F variant is a non-conservative amino acid substitution, which is likely to impact secondary protein structure as these residues differ in polarity, charge, size and/or other properties. This substitution occurs at a position that is conserved across species, and in silico analysis predicts this variant is probably damaging to the protein structure/function. In addition, C2099F affects a Cysteine residue involved in a disulfide bond within a TGF-beta-binding protein (aka TB domain). Finally, other likely pathogenic missense variants affecting the same residue (C2099W, C2099Y) have been reported in association with Marfan syndrome (Hayward et al., 1997; Stheneur et al., 2009), further supporting the functional importance of this residue. In summary, C2099F in the FBN1 gene is interpreted as a pathogenic variant.